The following is an entry in ClinVar:

NM_002474.3(MYH11):c.5607G>A (p.Lys1869=)

Genes: NDE1 (nudE neurodevelopment protein 1; plus strand), MYH11 (myosin heavy chain 11; minus strand). Cytogenetic location: 16p13.11.
Variant type: single nucleotide variant.
Coding change: c.5607G>A on transcript NM_002474.3 (MANE Select); coding-DNA position 5607, G replaced by A.
Protein change: p.Lys1869=; no amino-acid change (lysine 1869 retained).
Molecular consequence: synonymous variant. On other transcripts: intron variant (2).
Genome position (GRCh38, 1-based): chr16:15,715,170, C>T on the plus strand (G>A on the coding strand, the complement: MYH11 is on the minus strand). VCF-style: chr16-15715170-C-T. GRCh37 (hg19) VCF-style: chr16-15809027-C-T.
Other names: c.5628G>A, p.Lys1876= (NM_001040113.2, NM_001040114.2); c.5607G>A, p.Lys1869= (NM_022844.3); c.948-9021C>T (NM_001143979.2, NM_017668.3).
Identifiers: ClinVar variation 629104 (VCV000629104.14), dbSNP rs372546520, ClinGen allele CA7921211.

ClinVar aggregate classification (germline): Likely benign. Review status: criteria provided, multiple submitters, no conflicts (2 of 4 stars). 6 submissions from 6 submitters: Likely benign (6). Last evaluated 2025-01-21.

Conditions:
Familial thoracic aortic aneurysm and aortic dissection (TAAD). Also called: Thoracic aortic aneurysms and dissections. Identifiers: Orphanet 91387, MedGen C4707243, MONDO:0019625.
Aortic aneurysm, familial thoracic 4 (AAT4). Also called: AORTIC ANEURYSM/AORTIC DISSECTION AND PATENT DUCTUS ARTERIOSUS. Identifiers: MedGen C1851504, MONDO:0007568, OMIM 132900.

Allele frequency attached by ClinVar (database versions not stated): gnomAD exomes below 0.00001 and 0.00001; ExAC 0.00002; gnomAD 0.00003 and 0.00004; TOPMed 0.00005; ESP Exome Variant Server 0.00008.
gnomAD v4.1: 8 of 1,613,574 alleles (0.0005%); highest among the groups gnomAD compares: African/African-American, 0.0053%; no homozygotes.

Submissions (6):

Labcorp Genetics (formerly Invitae), Labcorp
Classification: Likely benign for Aortic aneurysm, familial thoracic 4. Last evaluated: 2025-01-21. Review status: criteria provided, single submitter. Criteria: Invitae Variant Classification Sherloc (09022015). Collection method: clinical testing. Allele origin: germline.

Ambry Genetics
Classification: Likely benign for Familial thoracic aortic aneurysm and aortic dissection. Last evaluated: 2024-03-24. Review status: criteria provided, single submitter. Criteria: Ambry Variant Classification Scheme 2023. Collection method: clinical testing. Allele origin: germline.

All of Us Research Program, National Institutes of Health
Classification: Likely benign for Familial thoracic aortic aneurysm and aortic dissection. Last evaluated: 2023-12-13. Review status: criteria provided, single submitter. Criteria: ACMG Guidelines, 2015. Collection method: clinical testing. Allele origin: germline. Inheritance: Autosomal dominant inheritance. Observed: 5 variant alleles, 5 heterozygotes.
Comment: This study involves interpretation of variants in research participants for the purpose of population health screening. Participant phenotype was not available at the time of variant classification. Additional details can be found in publication PMID: 35346344, PMCID: PMC8962531

CHEO Genetics Diagnostic Laboratory, Children's Hospital of Eastern Ontario
Classification: Likely benign for Familial thoracic aortic aneurysm and aortic dissection. Last evaluated: 2019-01-10. Review status: criteria provided, single submitter. Criteria: ACMG Guidelines, 2015. Collection method: clinical testing. Allele origin: germline.

Color Diagnostics, LLC DBA Color Health
Classification: Likely benign for Familial thoracic aortic aneurysm and aortic dissection. Last evaluated: 2018-08-25. Review status: criteria provided, single submitter. Criteria: ACMG Guidelines, 2015. Collection method: clinical testing. Allele origin: germline.

Women's Health and Genetics/Laboratory Corporation of America, LabCorp
Classification: Likely benign. Last evaluated: 2018-03-20. Review status: criteria provided, single submitter. Criteria: LabCorp Variant Classification Summary - May 2015. Collection method: clinical testing. Allele origin: germline.
Comment: Variant summary: MYH11 c.5628G>A alters a non-conserved nucleotide resulting in a synonymous change. 5/5 computational tools predict no significant impact on normal splicing. However, these predictions have yet to be confirmed by functional studies. The observed variant frequency within African control individuals in the gnomAD database is approximately 66.4 fold above the estimated maximal expected allele frequency for a pathogenic variant in MYH11 causing Aortopathy phenotype (1.3e-06), strongly suggesting that the variant is a benign polymorphism found primarily in populations of African origin. To our knowledge, no occurrence of c.5628G>A in individuals affected with Aortopathy and no experimental evidence demonstrating its impact on protein function have been reported. No clinical diagnostic laboratories have submitted clinical-significance assessments for this variant to ClinVar after 2014. Based on the evidence outlined above, the variant was classified as Likely benign.